The following is an entry in ClinVar:

NM_144585.4(SLC22A12):c.1096G>C (p.Gly366Arg)

Gene: SLC22A12 (solute carrier family 22 member 12; plus strand). Cytogenetic location: 11q13.1.
Variant type: single nucleotide variant.
Coding change: c.1096G>C on transcript NM_144585.4 (MANE Select); coding-DNA position 1096, G replaced by C.
Protein change: p.Gly366Arg; replaces glycine 366 with arginine.
Molecular consequence: missense variant.
Genome position (GRCh38, 1-based): chr11:64,599,701, G>C. VCF-style: chr11-64599701-G-C. GRCh37 (hg19) VCF-style: chr11-64367173-G-C.
Other names: c.994G>C, p.Gly332Arg (NM_001276326.2); c.772G>C, p.Gly258Arg (NM_001276327.2); c.433G>C, p.Gly145Arg (NM_153378.3); c.1096G>C (NM_144585.3); short protein forms G258R, G332R, G145R, G366R.
Identifiers: ClinVar variation 871581 (VCV000871581.42), dbSNP rs1047976958, ClinGen allele CA223872009.

ClinVar aggregate classification (germline): Conflicting classifications of pathogenicity. Review status: criteria provided, conflicting classifications (1 of 4 stars). 3 submissions from 3 submitters: Pathogenic (1); Uncertain significance (1). 1 of the submissions does not count toward it. Last evaluated 2024-04-27.

Conditions:
Dalmatian hypouricemia (RHUC1). Identifiers: MedGen C0473219, MONDO:0020728, OMIM 220150.
SLC22A12-related disorder. Also called: SLC22A12-related condition.

Allele frequency attached by ClinVar (database versions not stated): gnomAD 0.00001; TOPMed 0.00001.
gnomAD v4.1: 24 of 1,608,924 alleles (0.0015%); highest among the groups gnomAD compares: Non-Finnish European, 0.002%; no homozygotes.

Submissions (3):

Fulgent Genetics
Classification: Uncertain significance for Dalmatian hypouricemia. Last evaluated: 2024-04-27. Review status: criteria provided, single submitter. Criteria: ACMG Guidelines, 2015. Collection method: clinical testing. Allele origin: germline.

CeGaT Center for Human Genetics Tuebingen
Classification: Pathogenic. Last evaluated: 2017-07-01. Review status: criteria provided, single submitter. Criteria: CeGaT Center For Human Genetics Tuebingen Variant Classification Criteria Version 2. Collection method: clinical testing. Allele origin: germline. Affected: yes. Observed: 1 variant allele.

PreventionGenetics, part of Exact Sciences
Classification: Uncertain significance for SLC22A12-related condition. Last evaluated: 2024-09-20. Review status: no assertion criteria provided. Collection method: clinical testing. Allele origin: germline. Not counted in ClinVar's aggregate classification.
Comment: The SLC22A12 c.1096G>C variant is predicted to result in the amino acid substitution p.Gly366Arg. This variant was reported in compound heterozygous state in an individual with renal hypouricaemia (Stiburkova et al. 2013. PubMed ID: 23386035). Functional studies showed significantly decreased urate uptake, a mis-localized URAT1 signal and revealed a dominant negative effect by causing ER retention of both mutant and wild type proteins (Stiburkova et al. 2013. PubMed ID: 23386035; Stiburkova et al 2015. PubMed ID: 26418379). This variant is reported in 0.0018% of alleles in individuals of European (Non-Finnish) descent in gnomAD. Although we suspect this variant could be pathogenic, its significance remains uncertain at the moment.